The following is an entry in ClinVar:

NM_032620.4(GTPBP3):c.500C>T (p.Ala167Val)

Gene: GTPBP3 (GTP binding protein 3, mitochondrial; plus strand). Cytogenetic location: 19p13.11.
Variant type: single nucleotide variant.
Coding change: c.500C>T on transcript NM_032620.4 (MANE Select); coding-DNA position 500, C replaced by T.
Protein change: p.Ala167Val; replaces alanine 167 with valine.
Molecular consequence: missense variant.
Genome position (GRCh38, 1-based): chr19:17,338,650, C>T. VCF-style: chr19-17338650-C-T. GRCh37 (hg19) VCF-style: chr19-17449459-C-T.
Other names: c.500C>T, p.Ala167Val (NM_001128855.3, NM_133644.4); c.566C>T, p.Ala189Val (NM_001195422.1); short protein forms A167V, A189V.
Identifiers: ClinVar variation 1477995 (VCV001477995.7), dbSNP rs2074393574, ClinGen allele CA404733263.

ClinVar aggregate classification (germline): Uncertain significance (1 of 4 stars; one submission).

Allele frequency attached by ClinVar (database versions not stated): gnomAD 0.00001; TOPMed 0.00001.
gnomAD v4.1: 1 of 1,613,794 alleles (0.000062%); highest among the groups gnomAD compares: Admixed American, 0.0017%; no homozygotes.

Submission:

Labcorp Genetics (formerly Invitae), Labcorp
Classification: Uncertain significance. Last evaluated: 2025-03-03. Review status: criteria provided, single submitter. Criteria: Invitae Variant Classification Sherloc (09022015). Collection method: clinical testing. Allele origin: germline.
Comment: This sequence change replaces alanine, which is neutral and non-polar, with valine, which is neutral and non-polar, at codon 167 of the GTPBP3 protein (p.Ala167Val). This variant is not present in population databases (gnomAD no frequency). This variant has not been reported in the literature in individuals affected with GTPBP3-related conditions. ClinVar contains an entry for this variant (Variation ID: 1477995). Invitae Evidence Modeling of protein sequence and biophysical properties (such as structural, functional, and spatial information, amino acid conservation, physicochemical variation, residue mobility, and thermodynamic stability) indicates that this missense variant is expected to disrupt GTPBP3 protein function with a positive predictive value of 80%. In summary, the available evidence is currently insufficient to determine the role of this variant in disease. Therefore, it has been classified as a Variant of Uncertain Significance.